The following is an entry in ClinVar:

NM_014140.4(SMARCAL1):c.2650G>A (p.Asp884Asn)

Gene: SMARCAL1 (SNF2 related chromatin remodeling annealing helicase 1; plus strand). Cytogenetic location: 2q35.
Variant type: single nucleotide variant.
Coding change: c.2650G>A on transcript NM_014140.4 (MANE Select); coding-DNA position 2650, G replaced by A.
Protein change: p.Asp884Asn; replaces aspartic acid 884 with asparagine.
Molecular consequence: missense variant.
Genome position (GRCh38, 1-based): chr2:216,482,762, G>A. VCF-style: chr2-216482762-G-A. GRCh37 (hg19) VCF-style: chr2-217347485-G-A.
Other names: c.2650G>A (NM_014140.3); c.2650G>A, p.Asp884Asn (NM_001127207.2); short protein forms D884N.
Identifiers: ClinVar variation 1004836 (VCV001004836.9), dbSNP rs763712548, ClinGen allele CA2098278.
Genomic context (GRCh38, chr2:216,482,762, plus strand): 5'-CTTCCTTTTATCTTTTGTTTTCTTTCTCTGATGAAGGACCCAAAGCAGCAGAAGATCTAC[G>A]ACCTATTCCAGAAGTCCTTTGAGAAAGAAGGAAGTGATATGGAGCTCCTGGAAGCAGCAG-3'
Protein context (NP_054859.2, residues 874-894): YKDPKQQKIY[Asp884Asn]LFQKSFEKEG

ClinVar aggregate classification (germline): Uncertain significance. Review status: criteria provided, multiple submitters, no conflicts (2 of 4 stars). 5 submissions from 5 submitters: Uncertain significance (4). 1 of the submissions does not count toward it. Last evaluated 2024-03-04.

Conditions:
Schimke immuno-osseous dysplasia (SIOD). Also called: Schimke Immunoosseous Dysplasia. Identifiers: Orphanet 1830, MedGen C0877024, MONDO:0009458, OMIM 242900.
Inborn genetic diseases. Identifiers: MedGen C0950123, MeSH D030342.

Allele frequency attached by ClinVar (database versions not stated): gnomAD 0.00001; TOPMed 0.00003.
gnomAD v4.1: 8 of 1,613,878 alleles (0.0005%); highest among the groups gnomAD compares: African/African-American, 0.0027%; no homozygotes.

Submissions (5):

Ambry Genetics
Classification: Uncertain significance for Inborn genetic diseases. Last evaluated: 2024-03-04. Review status: criteria provided, single submitter. Criteria: Ambry Variant Classification Scheme 2023. Collection method: clinical testing. Allele origin: germline.

Labcorp Genetics (formerly Invitae), Labcorp
Classification: Uncertain significance for Schimke immuno-osseous dysplasia. Last evaluated: 2022-03-18. Review status: criteria provided, single submitter. Criteria: Invitae Variant Classification Sherloc (09022015). Collection method: clinical testing. Allele origin: germline.
Comment: This sequence change replaces aspartic acid, which is acidic and polar, with asparagine, which is neutral and polar, at codon 884 of the SMARCAL1 protein (p.Asp884Asn). This variant is present in population databases (rs763712548, gnomAD 0.007%). This variant has not been reported in the literature in individuals affected with SMARCAL1-related conditions. ClinVar contains an entry for this variant (Variation ID: 1004836). Algorithms developed to predict the effect of missense changes on protein structure and function are either unavailable or do not agree on the potential impact of this missense change (SIFT: "Deleterious"; PolyPhen-2: "Benign"; Align-GVGD: "Class C0"). In summary, the available evidence is currently insufficient to determine the role of this variant in disease. Therefore, it has been classified as a Variant of Uncertain Significance.

Fulgent Genetics
Classification: Uncertain significance for Schimke immuno-osseous dysplasia. Last evaluated: 2022-01-17. Review status: criteria provided, single submitter. Criteria: ACMG Guidelines, 2015. Collection method: clinical testing. Allele origin: unknown.

Breakthrough Genomics
Classification: Uncertain significance. Review status: criteria provided, single submitter. Criteria: ACMG Guidelines, 2015. Collection method: not provided. Allele origin: germline. Inheritance: Autosomal recessive inheritance. Affected: yes.

Natera, Inc.
Classification: Uncertain significance for Schimke immuno-osseous dysplasia. Last evaluated: 2020-08-19. Review status: no assertion criteria provided. Collection method: clinical testing. Allele origin: germline. Not counted in ClinVar's aggregate classification.